The following is an entry in ClinVar:

ClinVar aggregate classification (germline): Uncertain significance (1 of 4 stars; one submission).

Conditions:
Growth hormone insensitivity with immune dysregulation 1, autosomal recessive. Also called: GROWTH HORMONE INSENSITIVITY SYNDROME WITH IMMUNE DYSREGULATION 1, AUTOSOMAL RECESSIVE; GROWTH HORMONE INSENSITIVITY DUE TO POSTRECEPTOR DEFECT; LARON SYNDROME DUE TO POSTRECEPTOR DEFECT; Laron syndrome with immunodeficiency. Identifiers: Orphanet 220465, MedGen C5435698, MONDO:0100211, OMIM 245590.

Submission:

Labcorp Genetics (formerly Invitae), Labcorp
Classification: Uncertain significance for Growth hormone insensitivity with immune dysregulation 1, autosomal recessive. Last evaluated: 2017-07-23. Review status: criteria provided, single submitter. Criteria: Invitae Variant Classification Sherloc (09022015). Collection method: clinical testing. Allele origin: germline.
Comment: In summary, the available evidence is currently insufficient to determine the role of this variant in disease. Therefore, it has been classified as a Variant of Uncertain Significance. Algorithms developed to predict the effect of missense changes on protein structure and function do not agree on the potential impact of this missense change (SIFT: "Deleterious"; PolyPhen-2: "Benign"; Align-GVGD: "Class C15"). This variant has not been reported in the literature in individuals with STAT5B-related disease. This variant is not present in population databases (ExAC no frequency). This sequence change replaces phenylalanine with leucine at codon 532 of the STAT5B protein (p.Phe532Leu). The phenylalanine residue is highly conserved and there is a small physicochemical difference between phenylalanine and leucine.

NM_012448.4(STAT5B):c.1596C>A (p.Phe532Leu)

Gene: STAT5B (signal transducer and activator of transcription 5B; minus strand). Cytogenetic location: 17q21.2.
Variant type: single nucleotide variant.
Coding change: c.1596C>A on transcript NM_012448.4 (MANE Select); coding-DNA position 1596, C replaced by A.
Protein change: p.Phe532Leu; replaces phenylalanine 532 with leucine.
Molecular consequence: missense variant.
Genome position (GRCh38, 1-based): chr17:42,212,068, G>T on the plus strand (C>A on the coding strand, the complement: STAT5B is on the minus strand). VCF-style: chr17-42212068-G-T. GRCh37 (hg19) VCF-style: chr17-40364086-G-T.
Other names: short protein forms F532L.
Identifiers: ClinVar variation 466222 (VCV000466222.9), dbSNP rs1555548243, ClinGen allele CA399578984.